The following is an entry in ClinVar:

ClinVar aggregate classification (germline): Uncertain significance (1 of 4 stars; one submission).

Conditions:
Neuroblastoma, susceptibility to, 3. Also called: ALK-Related Neuroblastic Tumor Susceptibility. Identifiers: Orphanet 635, MedGen C2751681, MONDO:0013083, OMIM 613014.

gnomAD v4.1: 1 of 1,614,154 alleles (0.000062%); highest among the groups gnomAD compares: Non-Finnish European, 0.000085%; no homozygotes.

Submission:

Labcorp Genetics (formerly Invitae), Labcorp
Classification: Uncertain significance for Neuroblastoma, susceptibility to, 3. Last evaluated: 2022-05-26. Review status: criteria provided, single submitter. Criteria: Invitae Variant Classification Sherloc (09022015). Collection method: clinical testing. Allele origin: germline.
Comment: In summary, the available evidence is currently insufficient to determine the role of this variant in disease. Therefore, it has been classified as a Variant of Uncertain Significance. Algorithms developed to predict the effect of missense changes on protein structure and function are either unavailable or do not agree on the potential impact of this missense change (SIFT: "Deleterious"; PolyPhen-2: "Probably Damaging"; Align-GVGD: "Class C0"). This variant has not been reported in the literature in individuals affected with ALK-related conditions. This variant is not present in population databases (gnomAD no frequency). This sequence change replaces aspartic acid, which is acidic and polar, with alanine, which is neutral and non-polar, at codon 1391 of the ALK protein (p.Asp1391Ala).

NM_004304.5(ALK):c.4172A>C (p.Asp1391Ala)

Gene: ALK (ALK receptor tyrosine kinase; minus strand). Cytogenetic location: 2p23.2.
Variant type: single nucleotide variant.
Coding change: c.4172A>C on transcript NM_004304.5 (MANE Select); coding-DNA position 4172, A replaced by C.
Protein change: p.Asp1391Ala; replaces aspartic acid 1391 with alanine.
Molecular consequence: missense variant.
Genome position (GRCh38, 1-based): chr2:29,193,915, T>G on the plus strand (A>C on the coding strand, the complement: ALK is on the minus strand). VCF-style: chr2-29193915-T-G. GRCh37 (hg19) VCF-style: chr2-29416781-T-G.
Other names: c.968A>C, p.Asp323Ala (NM_001353765.2); short protein forms D1391A, D323A.
Identifiers: ClinVar variation 1378286 (VCV001378286.8), dbSNP rs2148139166, ClinGen allele CA346463572.